The following is an entry in ClinVar:

ClinVar aggregate classification (germline): Uncertain significance. Review status: criteria provided, multiple submitters, no conflicts (2 of 4 stars). 3 submissions from 3 submitters: Uncertain significance (3). Last evaluated 2026-02-18.

Conditions:
DST-related disorder. Also called: DST-related disorders; DST-related condition.
Epidermolysis bullosa simplex 3, localized or generalized intermediate, with BP230 deficiency (EBS3). Also called: Epidermolysis bullosa simplex due to BP230 deficiency; Epidermolysis bullosa simplex, autosomal recessive 2. Identifiers: Orphanet 412181, MedGen C3809470, MONDO:0014180, OMIM 615425.
Hereditary sensory and autonomic neuropathy type 6. Also called: Neuropathy, hereditary sensory and autonomic, type VI; HSAN VI. Identifiers: Orphanet 314381, MedGen C3539003, MONDO:0013839, OMIM 614653.

Allele frequency attached by ClinVar (database versions not stated): gnomAD exomes 0.00006 and 0.00008; ExAC 0.00012; TOPMed 0.00032; gnomAD 0.00034 and 0.00035; ESP Exome Variant Server 0.00038; 1000 Genomes Project 30x 0.00047; 1000 Genomes Project 0.00060.
gnomAD v4.1: 142 of 1,614,188 alleles (0.0088%); highest among the groups gnomAD compares: African/African-American, 0.13%; no homozygotes.

Submissions (3):

PreventionGenetics, part of Exact Sciences
Classification: Uncertain significance for DST-related condition. Last evaluated: 2026-02-18. Review status: criteria provided, single submitter. Criteria: ACMG Guidelines, 2015. Collection method: clinical testing. Allele origin: germline.
Comment: The DST c.5423A>G variant is predicted to result in the amino acid substitution p.Gln1808Arg. To our knowledge, this variant has not been reported in the literature. This variant is reported in 0.092% of alleles in individuals of African descent in gnomAD, which is likely too common to be a primary cause of disease. Although we suspect this variant may be benign, at this time, the clinical significance of this variant is uncertain due to the absence of conclusive functional and genetic evidence.

Labcorp Genetics (formerly Invitae), Labcorp
Classification: Uncertain significance for Epidermolysis bullosa simplex 3, localized or generalized intermediate, with BP230 deficiency; Hereditary sensory and autonomic neuropathy type 6. Last evaluated: 2024-08-20. Review status: criteria provided, single submitter. Criteria: Invitae Variant Classification Sherloc (09022015). Collection method: clinical testing. Allele origin: germline.
Comment: This sequence change replaces glutamine, which is neutral and polar, with arginine, which is basic and polar, at codon 1808 of the DST protein (p.Gln1808Arg). This variant is present in population databases (rs139868117, gnomAD 0.1%). This variant has not been reported in the literature in individuals affected with DST-related conditions. ClinVar contains an entry for this variant (Variation ID: 541441). An algorithm developed to predict the effect of missense changes on protein structure and function outputs the following: PolyPhen-2: "Benign". The arginine amino acid residue is found in multiple mammalian species, which suggests that this missense change does not adversely affect protein function. In summary, the available evidence is currently insufficient to determine the role of this variant in disease. Therefore, it has been classified as a Variant of Uncertain Significance.

Mayo Clinic Laboratories, Mayo Clinic
Classification: Uncertain significance. Last evaluated: 2019-06-09. Review status: criteria provided, single submitter. Criteria: ACMG Guidelines, 2015. Collection method: clinical testing. Allele origin: germline. Observed: 1 variant allele.

NM_001723.7(DST):c.5423A>G (p.Gln1808Arg)

Gene: DST (dystonin; minus strand). Cytogenetic location: 6p12.1.
Variant type: single nucleotide variant.
Coding change: c.5423A>G on transcript NM_001723.7 (MANE Plus Clinical); coding-DNA position 5423, A replaced by G.
Protein change: p.Gln1808Arg; replaces glutamine 1808 with arginine.
Molecular consequence: missense variant. On other transcripts: intron variant (10).
Genome position (GRCh38, 1-based): chr6:56,618,611, T>C on the plus strand (A>G on the coding strand, the complement: DST is on the minus strand). VCF-style: chr6-56618611-T-C. GRCh37 (hg19) VCF-style: chr6-56483409-T-C.
Other names: c.4831-4127A>G (NM_001144769.5); c.4930-4127A>G (NM_001374722.1, NM_001374736.1); c.4957-4127A>G (NM_001374734.1); c.4417-4127A>G (NM_001144770.2); c.4297-4127A>G (NM_001374730.1, NM_001386100.1, NM_183380.4 and 1 more transcripts); c.3319-4127A>G (NM_015548.5); short protein forms Q1808R.
Identifiers: ClinVar variation 541441 (VCV000541441.11), dbSNP rs139868117, ClinGen allele CA3870365.